The following is an entry in ClinVar:

NM_001376.5(DYNC1H1):c.13218+5C>T

Gene: DYNC1H1 (dynein cytoplasmic 1 heavy chain 1; plus strand). Cytogenetic location: 14q32.31.
Variant type: single nucleotide variant.
Coding change: c.13218+5C>T on transcript NM_001376.5 (MANE Select); 5 bases into the intron after coding-DNA position 13218, C replaced by T.
Molecular consequence: intron variant.
Genome position (GRCh38, 1-based): chr14:102,048,033, C>T. VCF-style: chr14-102048033-C-T. GRCh37 (hg19) VCF-style: chr14-102514370-C-T.
Identifiers: ClinVar variation 2707975 (VCV002707975.3), dbSNP rs2152600259, ClinGen allele CA2697554213.

ClinVar aggregate classification (germline): Uncertain significance (1 of 4 stars; one submission).

Conditions:
Charcot-Marie-Tooth disease axonal type 2O. Also called: Charcot-Marie-Tooth disease, axonal, type 20; CHARCOT-MARIE-TOOTH NEUROPATHY, AXONAL, TYPE 2O; CHARCOT-MARIE-TOOTH DISEASE, AXONAL, AUTOSOMAL DOMINANT, TYPE 2O; Charcot-Marie-Tooth Neuropathy Type 2O. Identifiers: Orphanet 284232, MedGen C3280220, MONDO:0013644, OMIM 614228.

Submission:

Labcorp Genetics (formerly Invitae), Labcorp
Classification: Uncertain significance for Charcot-Marie-Tooth disease axonal type 2O. Last evaluated: 2024-01-06. Review status: criteria provided, single submitter. Criteria: Invitae Variant Classification Sherloc (09022015). Collection method: clinical testing. Allele origin: germline.
Comment: This sequence change falls in intron 73 of the DYNC1H1 gene. It does not directly change the encoded amino acid sequence of the DYNC1H1 protein. It affects a nucleotide within the consensus splice site. This variant is not present in population databases (gnomAD no frequency). This variant has not been reported in the literature in individuals affected with DYNC1H1-related conditions. Variants that disrupt the consensus splice site are a relatively common cause of aberrant splicing (PMID: 17576681, 9536098). Algorithms developed to predict the effect of sequence changes on RNA splicing suggest that this variant is not likely to affect RNA splicing. In summary, the available evidence is currently insufficient to determine the role of this variant in disease. Therefore, it has been classified as a Variant of Uncertain Significance.

Literature cited by the submitters: PubMed 17576681; PubMed 9536098.